The following is an entry in ClinVar:

ClinVar aggregate classification (germline): Uncertain significance (1 of 4 stars; one submission).

Conditions:
POLD1-related polyposis and colorectal cancer syndrome (CRCS10). Also called: Colorectal cancer 10; COLORECTAL CANCER, SUSCEPTIBILITY TO, ON CHROMOSOME 19q; Colorectal cancer, susceptibility to, 10. Identifiers: Orphanet 220460, MedGen C2675481, MONDO:0012953, OMIM 612591.

Allele frequency attached by ClinVar (database versions not stated): gnomAD exomes below 0.00001 and 0.00001; TOPMed below 0.00001; gnomAD 0.00001.
gnomAD v4.1: 4 of 1,549,734 alleles (0.00026%); highest among the groups gnomAD compares: African/African-American, 0.0041%; no homozygotes.

Submission:

Labcorp Genetics (formerly Invitae), Labcorp
Classification: Uncertain significance for POLD1-related polyposis and colorectal cancer syndrome. Last evaluated: 2025-05-05. Review status: criteria provided, single submitter. Criteria: Invitae Variant Classification Sherloc (09022015). Collection method: clinical testing. Allele origin: germline.
Comment: This sequence change falls in intron 24 of the POLD1 gene. It does not directly change the encoded amino acid sequence of the POLD1 protein. This variant is present in population databases (no rsID available, gnomAD 0.004%). This variant has not been reported in the literature in individuals affected with POLD1-related conditions. ClinVar contains an entry for this variant (Variation ID: 577693). Algorithms developed to predict the effect of sequence changes on RNA splicing suggest that this variant may disrupt the consensus splice site. In summary, the available evidence is currently insufficient to determine the role of this variant in disease. Therefore, it has been classified as a Variant of Uncertain Significance.

NM_002691.4(POLD1):c.3068-6C>G

Gene: POLD1 (DNA polymerase delta 1, catalytic subunit; plus strand). Cytogenetic location: 19q13.33.
Variant type: single nucleotide variant.
Coding change: c.3068-6C>G on transcript NM_002691.4 (MANE Select); 6 bases into the intron before coding-DNA position 3068, C replaced by G.
Molecular consequence: intron variant.
Genome position (GRCh38, 1-based): chr19:50,417,039, C>G. VCF-style: chr19-50417039-C-G. GRCh37 (hg19) VCF-style: chr19-50920296-C-G.
Other names: c.3068-6C>G (NM_001256849.1, LRG_785t1); c.3146-6C>G (NM_001308632.1, LRG_785t2).
Identifiers: ClinVar variation 577693 (VCV000577693.10), dbSNP rs1243185728, ClinGen allele CA633897766.
Genomic context (GRCh38, chr19:50,417,039, plus strand): 5'-GGCAGGGATGGGGTGGCCCAGTTCCTGGCTGGGCCCCAGCACTTGGGCTGACCCGCCTCC[C>G]CACAGGAGCCGTGTGTGAGTTCTGCCAGCCCCGGGAGTCTGAGCTGTATCAGAAGGAGGT-3'